The following is an entry in ClinVar:

NM_015272.5(RPGRIP1L):c.431G>A (p.Gly144Asp)

Gene: RPGRIP1L (RPGRIP1 like; minus strand). Cytogenetic location: 16q12.2.
Variant type: single nucleotide variant.
Coding change: c.431G>A on transcript NM_015272.5 (MANE Select); coding-DNA position 431, G replaced by A.
Protein change: p.Gly144Asp; replaces glycine 144 with aspartic acid.
Molecular consequence: missense variant.
Genome position (GRCh38, 1-based): chr16:53,692,164, C>T on the plus strand (G>A on the coding strand, the complement: RPGRIP1L is on the minus strand). VCF-style: chr16-53692164-C-T. GRCh37 (hg19) VCF-style: chr16-53726076-C-T.
Other names: c.431G>A, p.Gly144Asp (NM_001127897.4, NM_001308334.3, NM_001330538.2); short protein forms G144D.
Identifiers: ClinVar variation 1361149 (VCV001361149.5), dbSNP rs1970430274, ClinGen allele CA395924822.

ClinVar aggregate classification (germline): Uncertain significance (1 of 4 stars; one submission).

Conditions:
Joubert syndrome. Also called: CEREBELLOPARENCHYMAL DISORDER IV; JOUBERT-BOLTSHAUSER SYNDROME; Familial aplasia of the vermis. Identifiers: Orphanet 475, MedGen C5979921, MONDO:0018772.
Meckel-Gruber syndrome. Also called: DYSENCEPHALIA SPLANCHNOCYSTICA; GRUBER SYNDROME; Dysencephalia splachnocystica. Identifiers: Orphanet 564, MedGen C0265215, MONDO:0018921.

Allele frequency attached by ClinVar (database versions not stated): TOPMed below 0.00001.

Submission:

Labcorp Genetics (formerly Invitae), Labcorp
Classification: Uncertain significance for Joubert syndrome; Meckel-Gruber syndrome. Last evaluated: 2021-09-02. Review status: criteria provided, single submitter. Criteria: Invitae Variant Classification Sherloc (09022015). Collection method: clinical testing. Allele origin: germline.
Comment: This sequence change replaces glycine with aspartic acid at codon 144 of the RPGRIP1L protein (p.Gly144Asp). The glycine residue is moderately conserved and there is a moderate physicochemical difference between glycine and aspartic acid. This variant is not present in population databases (ExAC no frequency). This variant has not been reported in the literature in individuals affected with RPGRIP1L-related conditions. Algorithms developed to predict the effect of missense changes on protein structure and function are either unavailable or do not agree on the potential impact of this missense change (SIFT: "Deleterious"; PolyPhen-2: "Benign"; Align-GVGD: "Class C0"). In summary, the available evidence is currently insufficient to determine the role of this variant in disease. Therefore, it has been classified as a Variant of Uncertain Significance.